The following is an entry in ClinVar:

ClinVar aggregate classification (germline): Conflicting classifications of pathogenicity. Review status: criteria provided, conflicting classifications (1 of 4 stars). 2 submissions from 2 submitters: Pathogenic (1); Uncertain significance (1). Last evaluated 2025-09-02.

Conditions:
Amyotrophic lateral sclerosis type 1 (ALS1). Also called: AMYOTROPHIC LATERAL SCLEROSIS 1, FAMILIAL. Identifiers: Orphanet 803, MedGen C1862939, MONDO:0007103, OMIM 105400.

Submissions (2):

Labcorp Genetics (formerly Invitae), Labcorp
Classification: Pathogenic for Amyotrophic lateral sclerosis type 1. Last evaluated: 2025-09-02. Review status: criteria provided, single submitter. Criteria: Invitae Variant Classification Sherloc (09022015). Collection method: clinical testing. Allele origin: germline.
Comment: This sequence change replaces glutamic acid, which is acidic and polar, with alanine, which is neutral and non-polar, at codon 134 of the SOD1 protein (p.Glu134Ala). This variant is not present in population databases (gnomAD no frequency). This missense change has been observed in individuals with clinical features of amyotrophic lateral sclerosis (PMID: 36484631; internal data). ClinVar contains an entry for this variant (Variation ID: 1807417). Invitae Evidence Modeling of protein sequence and biophysical properties (such as structural, functional, and spatial information, amino acid conservation, physicochemical variation, residue mobility, and thermodynamic stability) indicates that this missense variant is expected to disrupt SOD1 protein function with a positive predictive value of 95%. This variant disrupts the p.Glu134 amino acid residue in SOD1. Other variant(s) that disrupt this residue have been observed in individuals with SOD1-related conditions (PMID: 29540513, 32579787), which suggests that this may be a clinically significant amino acid residue. For these reasons, this variant has been classified as Pathogenic.

Athena Diagnostics
Classification: Uncertain significance. Last evaluated: 2022-02-10. Review status: criteria provided, single submitter. Criteria: Athena Diagnostics Criteria. Collection method: clinical testing. Allele origin: unknown.

Literature cited by the submitters: PubMed 36484631 (cited by Labcorp Genetics (formerly Invitae), Labcorp); PubMed 29540513 (cited by Labcorp Genetics (formerly Invitae), Labcorp); PubMed 32579787 (cited by Labcorp Genetics (formerly Invitae), Labcorp).

NM_000454.5(SOD1):c.401A>C (p.Glu134Ala)

Gene: SOD1 (superoxide dismutase 1; plus strand). Cytogenetic location: 21q22.11.
Variant type: single nucleotide variant.
Coding change: c.401A>C on transcript NM_000454.5 (MANE Select); coding-DNA position 401, A replaced by C.
Protein change: p.Glu134Ala; replaces glutamic acid 134 with alanine.
Molecular consequence: missense variant.
Genome position (GRCh38, 1-based): chr21:31,668,514, A>C. VCF-style: chr21-31668514-A-C. GRCh37 (hg19) VCF-style: chr21-33040827-A-C.
Other names: short protein forms E134A.
Identifiers: ClinVar variation 1807417 (VCV001807417.6), dbSNP rs1568811426, ClinGen allele CA410037723.